The following is an entry in ClinVar:

ClinVar aggregate classification (germline): Uncertain significance. Review status: criteria provided, multiple submitters, no conflicts (2 of 4 stars). 3 submissions from 3 submitters: Uncertain significance (3). Last evaluated 2022-05-27.

Conditions:
Inborn genetic diseases. Identifiers: MedGen C0950123, MeSH D030342.
Fanconi anemia (FA). Also called: Fanconi's anemia. Identifiers: Orphanet 84, MedGen C0015625, MeSH D005199, MONDO:0019391.

Allele frequency attached by ClinVar (database versions not stated): ExAC 0.00001; gnomAD exomes 0.00001.
gnomAD v4.1: 7 of 1,208,213 alleles (0.00058%); highest among the groups gnomAD compares: South Asian, 0.011%; no homozygotes.

Submissions (3):

Women's Health and Genetics/Laboratory Corporation of America, LabCorp
Classification: Uncertain significance. Last evaluated: 2022-05-27. Review status: criteria provided, single submitter. Criteria: LabCorp Variant Classification Summary - May 2015. Collection method: clinical testing. Allele origin: germline.
Comment: Variant summary: FANCB c.2521A>G (p.Lys841Glu) results in a conservative amino acid change in the encoded protein sequence. Four of five in-silico tools predict a benign effect of the variant on protein function. The variant allele was found at a frequency of 5.6e-06 in 178946 control chromosomes (gnomAD). The available data on variant occurrences in the general population are insufficient to allow any conclusion about variant significance. To our knowledge, no occurrence of c.2521A>G in individuals affected with Fanconi Anemia and no experimental evidence demonstrating its impact on protein function have been reported. One ClinVar submitter has assessed the variant since 2014: the variant was classified as of uncertain significance. Based on the evidence outlined above, the variant was classified as uncertain significance.

Labcorp Genetics (formerly Invitae), Labcorp
Classification: Uncertain significance for Fanconi anemia. Last evaluated: 2021-08-28. Review status: criteria provided, single submitter. Criteria: Invitae Variant Classification Sherloc (09022015). Collection method: clinical testing. Allele origin: germline.
Comment: This sequence change replaces lysine with glutamic acid at codon 841 of the FANCB protein (p.Lys841Glu). The lysine residue is moderately conserved and there is a small physicochemical difference between lysine and glutamic acid. This variant is present in population databases (rs767194178, ExAC 0.01%). This variant has not been reported in the literature in individuals affected with FANCB-related conditions. Algorithms developed to predict the effect of missense changes on protein structure and function are either unavailable or do not agree on the potential impact of this missense change (SIFT: "Tolerated"; PolyPhen-2: "Possibly Damaging"; Align-GVGD: "Class C0"). In summary, the available evidence is currently insufficient to determine the role of this variant in disease. Therefore, it has been classified as a Variant of Uncertain Significance.

Ambry Genetics
Classification: Uncertain significance for Inborn genetic diseases. Last evaluated: 2014-11-24. Review status: criteria provided, single submitter. Criteria: Ambry Variant Classification Scheme 2023. Collection method: clinical testing. Allele origin: germline.
Comment: The p.K841E variant (also known as c.2521A>G), located in coding exon 8 of the FANCB gene, results from an A to G substitution at nucleotide position 2521. The lysine at codon 841 is replaced by glutamic acid, an amino acid with similar properties. This variant was not reported in population based cohorts in the following databases: Database of Single Nucleotide Polymorphisms (dbSNP), NHLBI Exome Sequencing Project (ESP), and 1000 Genomes Project. In the ESP, this variant was not observed in 6503 samples with coverage at this position. This amino acid position is not conserved on limited sequence alignment. In addition, this alteration is predicted to be tolerated by in silico analysis.Since supporting evidence is limited at this time, the clinical significance of this variant remains unclear.

NM_001018113.3(FANCB):c.2521A>G (p.Lys841Glu)

Gene: FANCB (FA complementation group B; minus strand). Cytogenetic location: Xp22.2.
Variant type: single nucleotide variant.
Coding change: c.2521A>G on transcript NM_001018113.3 (MANE Select); coding-DNA position 2521, A replaced by G.
Protein change: p.Lys841Glu; replaces lysine 841 with glutamic acid.
Molecular consequence: missense variant.
Genome position (GRCh38, 1-based): chrX:14,843,626, T>C on the plus strand (A>G on the coding strand, the complement: FANCB is on the minus strand). VCF-style: chrX-14843626-T-C. GRCh37 (hg19) VCF-style: chrX-14861748-T-C.
Other names: c.2521A>G, p.Lys841Glu (NM_001324162.2, NM_152633.4); short protein forms K841E.
Identifiers: ClinVar variation 1408719 (VCV001408719.8), dbSNP rs767194178, ClinGen allele CA10352903.